The following is an entry in ClinVar:

ClinVar aggregate classification (germline): Uncertain significance (1 of 4 stars; one submission).

gnomAD v4.1: 1 of 1,603,908 alleles (0.000062%); highest among the groups gnomAD compares: South Asian, 0.0011%; no homozygotes.

Submission:

Ambry Genetics
Classification: Uncertain significance. Last evaluated: 2022-02-21. Review status: criteria provided, single submitter. Criteria: Ambry Variant Classification Scheme 2023. Collection method: clinical testing. Allele origin: germline.
Comment: The p.K408R variant (also known as c.1223A>G), located in coding exon 8 of the IDH1 gene, results from an A to G substitution at nucleotide position 1223. The lysine at codon 408 is replaced by arginine, an amino acid with highly similar properties. This amino acid position is conserved. In addition, the in silico prediction for this alteration is inconclusive. Since supporting evidence is limited at this time, the clinical significance of this alteration remains unclear.

NM_005896.4(IDH1):c.1223A>G (p.Lys408Arg)

Gene: IDH1 (isocitrate dehydrogenase (NADP(+)) 1; minus strand). Cytogenetic location: 2q34.
Variant type: single nucleotide variant.
Coding change: c.1223A>G on transcript NM_005896.4 (MANE Select); coding-DNA position 1223, A replaced by G.
Protein change: p.Lys408Arg; replaces lysine 408 with arginine.
Molecular consequence: missense variant.
Genome position (GRCh38, 1-based): chr2:208,237,101, T>C on the plus strand (A>G on the coding strand, the complement: IDH1 is on the minus strand). VCF-style: chr2-208237101-T-C. GRCh37 (hg19) VCF-style: chr2-209101825-T-C.
Other names: c.1223A>G, p.Lys408Arg (NM_001282386.1, NM_001282387.1); short protein forms K408R.
Identifiers: ClinVar variation 1753585 (VCV001753585.2), dbSNP rs2469010395, ClinGen allele CA350093517.